The following is an entry in ClinVar:

NM_018124.4(RFWD3):c.1340C>G (p.Ala447Gly)

Gene: RFWD3 (ring finger and WD repeat domain 3; minus strand). Cytogenetic location: 16q23.1.
Variant type: single nucleotide variant.
Coding change: c.1340C>G on transcript NM_018124.4 (MANE Select); coding-DNA position 1340, C replaced by G.
Protein change: p.Ala447Gly; replaces alanine 447 with glycine.
Molecular consequence: missense variant.
Genome position (GRCh38, 1-based): chr16:74,636,432, G>C on the plus strand (C>G on the coding strand, the complement: RFWD3 is on the minus strand). VCF-style: chr16-74636432-G-C. GRCh37 (hg19) VCF-style: chr16-74670330-G-C.
Other names: c.1340C>G, p.Ala447Gly (NM_001370534.1, NM_001370535.1, NM_001370536.1); c.506C>G, p.Ala169Gly (NM_001370537.1, NM_001370539.1, NM_001370540.1 and 2 more transcripts); c.1340C>G (NM_018124.3); short protein forms A169G, A447G.
Identifiers: ClinVar variation 1685063 (VCV001685063.7), dbSNP rs370961000, ClinGen allele CA8169246.

ClinVar aggregate classification (germline): Uncertain significance. Review status: criteria provided, multiple submitters, no conflicts (2 of 4 stars). 3 submissions from 3 submitters: Uncertain significance (3). Last evaluated 2025-07-29.

Allele frequency attached by ClinVar (database versions not stated): gnomAD exomes 0.00002 and 0.00005; ExAC 0.00003; ESP Exome Variant Server 0.00008; TOPMed 0.00011; gnomAD 0.00015 and 0.00016.
gnomAD v4.1: 53 of 1,614,052 alleles (0.0033%); highest among the groups gnomAD compares: African/African-American, 0.045%; no homozygotes.

Submissions (3):

Labcorp Genetics (formerly Invitae), Labcorp
Classification: Uncertain significance. Last evaluated: 2025-07-29. Review status: criteria provided, single submitter. Criteria: Invitae Variant Classification Sherloc (09022015). Collection method: clinical testing. Allele origin: germline.
Comment: This sequence change replaces alanine, which is neutral and non-polar, with glycine, which is neutral and non-polar, at codon 447 of the RFWD3 protein (p.Ala447Gly). This variant is present in population databases (rs370961000, gnomAD 0.07%), and has an allele count higher than expected for a pathogenic variant. This variant has not been reported in the literature in individuals affected with RFWD3-related conditions. ClinVar contains an entry for this variant (Variation ID: 1685063). An algorithm developed to predict the effect of missense changes on protein structure and function (PolyPhen-2) suggests that this variant is likely to be tolerated. In summary, the available evidence is currently insufficient to determine the role of this variant in disease. Therefore, it has been classified as a Variant of Uncertain Significance.

Ambry Genetics
Classification: Uncertain significance. Last evaluated: 2024-05-20. Review status: criteria provided, single submitter. Criteria: Ambry Variant Classification Scheme 2023. Collection method: clinical testing. Allele origin: germline.

Mendelics
Classification: Uncertain significance. Last evaluated: 2022-05-04. Review status: criteria provided, single submitter. Criteria: Mendelics Assertion Criteria 2019. Collection method: clinical testing. Allele origin: germline.